The following is an entry in ClinVar:

NM_000883.4(IMPDH1):c.869A>G (p.Lys290Arg)

Gene: IMPDH1 (inosine monophosphate dehydrogenase 1; minus strand). Cytogenetic location: 7q32.1.
Variant type: single nucleotide variant.
Coding change: c.869A>G on transcript NM_000883.4 (MANE Select); coding-DNA position 869, A replaced by G.
Protein change: p.Lys290Arg; replaces lysine 290 with arginine.
Molecular consequence: missense variant.
Genome position (GRCh38, 1-based): chr7:128,400,100, T>C on the plus strand (A>G on the coding strand, the complement: IMPDH1 is on the minus strand). VCF-style: chr7-128400100-T-C. GRCh37 (hg19) VCF-style: chr7-128040154-T-C.
Other names: c.839A>G, p.Lys280Arg (NM_001102605.2); c.614A>G, p.Lys205Arg (NM_001142573.2); c.599A>G, p.Lys200Arg (NM_001142574.2); c.539A>G, p.Lys180Arg (NM_001142575.2); c.770A>G, p.Lys257Arg (NM_001142576.2); c.662A>G, p.Lys221Arg (NM_001304521.2); c.761A>G, p.Lys254Arg (NM_183243.3); c.869A>G (NM_000883.3); short protein forms K205R, K257R, K254R, K280R, K290R, K180R, K200R, K221R.
Identifiers: ClinVar variation 1423252 (VCV001423252.7), dbSNP rs1185316015, ClinGen allele CA369170435.

ClinVar aggregate classification (germline): Uncertain significance. Review status: criteria provided, multiple submitters, no conflicts (2 of 4 stars). 2 submissions from 2 submitters: Uncertain significance (2). Last evaluated 2026-01-14.

Conditions:
Inborn genetic diseases. Identifiers: MedGen C0950123, MeSH D030342.

Allele frequency attached by ClinVar (database versions not stated): gnomAD exomes below 0.00001; gnomAD 0.00002; TOPMed 0.00002.
gnomAD v4.1: 4 of 1,611,634 alleles (0.00025%); highest among the groups gnomAD compares: Admixed American, 0.0033%; no homozygotes.

Submissions (2):

Ambry Genetics
Classification: Uncertain significance for Inborn genetic diseases. Last evaluated: 2026-01-14. Review status: criteria provided, single submitter. Criteria: Ambry Variant Classification Scheme 2023. Collection method: clinical testing. Allele origin: germline.

Labcorp Genetics (formerly Invitae), Labcorp
Classification: Uncertain significance. Last evaluated: 2022-11-16. Review status: criteria provided, single submitter. Criteria: Invitae Variant Classification Sherloc (09022015). Collection method: clinical testing. Allele origin: germline.
Comment: ClinVar contains an entry for this variant (Variation ID: 1423252). This variant has not been reported in the literature in individuals affected with IMPDH1-related conditions. This variant is present in population databases (no rsID available, gnomAD 0.003%). This sequence change replaces lysine, which is basic and polar, with arginine, which is basic and polar, at codon 290 of the IMPDH1 protein (p.Lys290Arg). In summary, the available evidence is currently insufficient to determine the role of this variant in disease. Therefore, it has been classified as a Variant of Uncertain Significance. Algorithms developed to predict the effect of missense changes on protein structure and function are either unavailable or do not agree on the potential impact of this missense change (SIFT: "Tolerated"; PolyPhen-2: "Possibly Damaging"; Align-GVGD: "Class C0").